The following is an entry in ClinVar:

NM_003072.5(SMARCA4):c.2986A>G (p.Ile996Val)

Gene: SMARCA4 (SWI/SNF related BAF chromatin remodeling complex subunit ATPase 4; plus strand). Cytogenetic location: 19p13.2.
Variant type: single nucleotide variant.
Coding change: c.2986A>G on transcript NM_003072.5 (MANE Select); coding-DNA position 2986, A replaced by G.
Protein change: p.Ile996Val; replaces isoleucine 996 with valine.
Molecular consequence: missense variant. On other transcripts: non-coding transcript variant (1).
Genome position (GRCh38, 1-based): chr19:11,024,343, A>G. VCF-style: chr19-11024343-A-G. GRCh37 (hg19) VCF-style: chr19-11135019-A-G.
Other names: c.2986A>G, p.Ile996Val (NM_001128844.3, NM_001128845.2, NM_001128846.2 and 6 more transcripts); c.2986A>G (NM_001128849.1); short protein forms I996V.
Identifiers: ClinVar variation 3013983 (VCV003013983.4), dbSNP rs2146472265, ClinGen allele CA404058793.

ClinVar aggregate classification (germline): Uncertain significance. Review status: criteria provided, multiple submitters, no conflicts (2 of 4 stars). 2 submissions from 2 submitters: Uncertain significance (2). Last evaluated 2026-07-07.

Conditions:
Rhabdoid tumor predisposition syndrome 2 (RTPS2). Identifiers: Orphanet 231108, Orphanet 69077, MedGen C2750074, MONDO:0013224, OMIM 613325.
Hereditary cancer-predisposing syndrome. Also called: Hereditary Cancer Syndrome; Hereditary neoplastic syndrome; Neoplastic Syndromes, Hereditary; Tumor predisposition. Identifiers: Orphanet 140162, MedGen C0027672, MeSH D009386, MONDO:0015356.

Submissions (2):

Ambry Genetics
Classification: Uncertain significance for Hereditary cancer-predisposing syndrome. Last evaluated: 2026-07-07. Review status: criteria provided, single submitter. Criteria: Ambry Variant Classification Scheme 2023. Collection method: clinical testing. Allele origin: germline.
Comment: The p.I996V variant (also known as c.2986A>G), located in coding exon 20 of the SMARCA4 gene, results from an A to G substitution at nucleotide position 2986. The isoleucine at codon 996 is replaced by valine, an amino acid with highly similar properties. This amino acid position is conserved. In addition, this alteration is predicted to be tolerated by in silico analysis. Based on the available evidence, the clinical significance of this variant remains unclear.

Labcorp Genetics (formerly Invitae), Labcorp
Classification: Uncertain significance for Rhabdoid tumor predisposition syndrome 2. Last evaluated: 2022-11-23. Review status: criteria provided, single submitter. Criteria: Invitae Variant Classification Sherloc (09022015). Collection method: clinical testing. Allele origin: germline.
Comment: This variant has not been reported in the literature in individuals affected with SMARCA4-related conditions. Advanced modeling of protein sequence and biophysical properties (such as structural, functional, and spatial information, amino acid conservation, physicochemical variation, residue mobility, and thermodynamic stability) performed at Invitae indicates that this missense variant is not expected to disrupt SMARCA4 protein function. This variant is not present in population databases (gnomAD no frequency). In summary, the available evidence is currently insufficient to determine the role of this variant in disease. Therefore, it has been classified as a Variant of Uncertain Significance. This sequence change replaces isoleucine, which is neutral and non-polar, with valine, which is neutral and non-polar, at codon 996 of the SMARCA4 protein (p.Ile996Val).